The following is an entry in ClinVar:

ClinVar aggregate classification (germline): Pathogenic (1 of 4 stars; one submission).

Conditions:
Tuberous sclerosis 1 (TSC1). Identifiers: Orphanet 805, MedGen C1854465, MONDO:0008612, OMIM 191100.

Submission:

MGZ Medical Genetics Center
Classification: Pathogenic for Tuberous sclerosis 1. Last evaluated: 2022-04-08. Review status: criteria provided, single submitter. Criteria: ACMG Guidelines, 2015. Collection method: clinical testing. Allele origin: germline. Affected: yes. Observed: 1 variant allele.
Comment: ACMG criteria applied: PVS1, PS2, PM2_SUP

NM_000368.5(TSC1):c.2257dup (p.Ser753fs)

Gene: TSC1 (TSC complex subunit 1; minus strand). Cytogenetic location: 9q34.13.
Variant type: Duplication.
Coding change: c.2257dup on transcript NM_000368.5 (MANE Select); coding-DNA position 2257, one base duplicated (A; older notation c.2257dupA).
Protein change: p.Ser753fs; shifts the reading frame from serine 753.
Molecular consequence: frameshift variant.
Genome position (GRCh38, 1-based): chr9:132,902,739, T duplicated on the plus strand (A on the coding strand, the reverse complement: TSC1 is on the minus strand). VCF-style (leftmost placement, unchanged base first): chr9-132902738-C-CT. GRCh37 (hg19) VCF-style: chr9-135778125-C-CT.
Other names: c.1891dup, p.Ser631Lysfs (NM_001406625.1, NM_001406620.1, NM_001406621.1 and 2 more transcripts); c.1306dup, p.Ser436Lysfs (NM_001406626.1); c.1303dup, p.Ser435Lysfs (NM_001406627.1, NM_001406628.1); c.1204dup, p.Ser402Lysfs (NM_001406629.1, NM_001406630.1); c.1894dup, p.Ser632Lysfs (NM_001406616.1, NM_001406617.1, NM_001406618.1 and 4 more transcripts); c.2254dup, p.Ser752fs (NM_001162426.2); c.2104dup, p.Ser702fs (NM_001162427.2); c.1894dup, p.Ser632fs (NM_001362177.2); and 6 more; short protein forms S632fs, S702fs, S752fs, S753fs.
Identifiers: ClinVar variation 1709420 (VCV001709420.2), dbSNP rs2538621965, ClinGen allele CA2580080147.